The following is an entry in ClinVar:

NM_021098.3(CACNA1H):c.2033G>C (p.Gly678Ala)

Gene: CACNA1H (calcium voltage-gated channel subunit alpha1 H; plus strand). Cytogenetic location: 16p13.3.
Variant type: single nucleotide variant.
Coding change: c.2033G>C on transcript NM_021098.3 (MANE Select); coding-DNA position 2033, G replaced by C.
Protein change: p.Gly678Ala; replaces glycine 678 with alanine.
Molecular consequence: missense variant.
Genome position (GRCh38, 1-based): chr16:1,204,040, G>C. VCF-style: chr16-1204040-G-C. GRCh37 (hg19) VCF-style: chr16-1254040-G-C.
Other names: c.2033G>C, p.Gly678Ala (NM_001005407.2); short protein forms G678A.
Identifiers: ClinVar variation 1497832 (VCV001497832.8), dbSNP rs2141277713, ClinGen allele CA394165328.

ClinVar aggregate classification (germline): Uncertain significance (1 of 4 stars; one submission).

Conditions:
Idiopathic generalized epilepsy. Also called: Generalised epilepsy; EIG. Identifiers: MedGen C0270850, MONDO:0005579, OMIM 600669.
Hyperaldosteronism, familial, type IV (HALD4). Also called: FH IV; ALDOSTERONISM, PRIMARY, AND HYPERTENSION. Identifiers: Orphanet 642671, MedGen C4310756, MONDO:0014875, OMIM 617027.

Submission:

Labcorp Genetics (formerly Invitae), Labcorp
Classification: Uncertain significance for Idiopathic generalized epilepsy; Hyperaldosteronism, familial, type IV. Last evaluated: 2024-02-17. Review status: criteria provided, single submitter. Criteria: Invitae Variant Classification Sherloc (09022015). Collection method: clinical testing. Allele origin: germline.
Comment: This sequence change replaces glycine, which is neutral and non-polar, with alanine, which is neutral and non-polar, at codon 678 of the CACNA1H protein (p.Gly678Ala). This variant is not present in population databases (gnomAD no frequency). This variant has not been reported in the literature in individuals affected with CACNA1H-related conditions. ClinVar contains an entry for this variant (Variation ID: 1497832). Advanced modeling of protein sequence and biophysical properties (such as structural, functional, and spatial information, amino acid conservation, physicochemical variation, residue mobility, and thermodynamic stability) performed at Invitae indicates that this missense variant is not expected to disrupt CACNA1H protein function with a negative predictive value of 80%. In summary, the available evidence is currently insufficient to determine the role of this variant in disease. Therefore, it has been classified as a Variant of Uncertain Significance.